The following is an entry in ClinVar:

NM_001378418.1(TCF20):c.1483G>A (p.Ala495Thr)

Gene: TCF20 (transcription factor 20; minus strand). Cytogenetic location: 22q13.2.
Variant type: single nucleotide variant.
Coding change: c.1483G>A on transcript NM_001378418.1 (MANE Select); coding-DNA position 1483, G replaced by A.
Protein change: p.Ala495Thr; replaces alanine 495 with threonine.
Molecular consequence: missense variant.
Genome position (GRCh38, 1-based): chr22:42,213,823, C>T on the plus strand (G>A on the coding strand, the complement: TCF20 is on the minus strand). VCF-style: chr22-42213823-C-T. GRCh37 (hg19) VCF-style: chr22-42609829-C-T.
Other names: c.1483G>A, p.Ala495Thr (NM_005650.4, NM_181492.3); short protein forms A495T.
Identifiers: ClinVar variation 3774185 (VCV003774185.1).
Genomic context (GRCh38, chr22:42,213,823, plus strand): 5'-TAGGGGACTTCAGCTGTTCTTCAGGTTGTGAGGAGCCTTCAGAATTTGTGCAGCTATCTG[C>T]TTTCTTGGAAGATGAGGGCCTCTTGGAGGTCTTCTTCTGAGGAGTCAGGGCATCAGAAAG-3'
Protein context (NP_001365347.1, residues 485-505): TSKRPSSSKK[Ala495Thr]DSCTNSEGSS

ClinVar aggregate classification (germline): Uncertain significance (1 of 4 stars; one submission).

Submission:

GeneDx
Classification: Uncertain significance. Last evaluated: 2024-09-20. Review status: criteria provided, single submitter. Criteria: GeneDx Variant Classification Process June 2021. Collection method: clinical testing. Allele origin: germline. Affected: yes.
Comment: Not observed at significant frequency in large population cohorts (gnomAD); In silico analysis indicates that this missense variant does not alter protein structure/function; Has not been previously published as pathogenic or benign to our knowledge